The following is an entry in ClinVar:

NM_015076.5(CDK19):c.933+2T>G

Gene: CDK19 (cyclin dependent kinase 19; minus strand). Cytogenetic location: 6q21.
Variant type: single nucleotide variant.
Coding change: c.933+2T>G on transcript NM_015076.5 (MANE Select); the canonical splice donor site of the intron after coding-DNA position 933, T replaced by G.
Molecular consequence: splice donor variant.
Genome position (GRCh38, 1-based): chr6:110,623,288, A>C on the plus strand (T>G on the coding strand, the complement: CDK19 is on the minus strand). VCF-style: chr6-110623288-A-C. GRCh37 (hg19) VCF-style: chr6-110944491-A-C.
Other names: c.753+2T>G (NM_001300964.2, NM_001300963.2); c.801+2T>G (NM_001300960.2).
Identifiers: ClinVar variation 4991455 (VCV004991455.1).

ClinVar aggregate classification (germline): Uncertain significance (1 of 4 stars; one submission).

Conditions:
CDK19-related disorder. Also called: CDK19-related condition.

Submission:

PreventionGenetics, part of Exact Sciences
Classification: Uncertain significance for CDK19-related condition. Last evaluated: 2026-08-12. Review status: criteria provided, single submitter. Criteria: ACMG Guidelines, 2015. Collection method: clinical testing. Allele origin: germline.
Comment: The CDK19 c.933+2T>G variant is predicted to disrupt the GT donor site and interfere with normal splicing. To our knowledge, this variant has not been reported in the literature or in a large population database (gnomAD), indicating this variant is rare. This variant is predicted to impact splicing, and lead to premature termination; however, few variants of this type have been reported in the literature (Human Gene Mutation Database). At this time, the clinical significance of this variant is uncertain due to the absence of conclusive functional and genetic evidence.